The following is an entry in ClinVar:

NM_205861.3(DHDDS):c.714G>A (p.Trp238Ter)

Gene: DHDDS (dehydrodolichyl diphosphate synthase subunit; plus strand). Cytogenetic location: 1p36.11.
Variant type: single nucleotide variant.
Coding change: c.714G>A on transcript NM_205861.3 (MANE Select); coding-DNA position 714, G replaced by A.
Protein change: p.Trp238Ter; replaces tryptophan 238 with a stop codon.
Molecular consequence: nonsense.
Genome position (GRCh38, 1-based): chr1:26,460,093, G>A. VCF-style: chr1-26460093-G-A. GRCh37 (hg19) VCF-style: chr1-26786584-G-A.
Other names: c.612G>A, p.Trp204Ter (NM_001243564.2); c.597G>A, p.Trp199Ter (NM_001243565.2); c.435G>A, p.Trp145Ter (NM_001319959.2); c.714G>A, p.Trp238Ter (NM_024887.4); short protein forms W204*, W145*, W199*, W238*.
Identifiers: ClinVar variation 1400385 (VCV001400385.6), dbSNP rs2124501559, ClinGen allele CA339145209.

ClinVar aggregate classification (germline): Pathogenic (1 of 4 stars; one submission).

Conditions:
Retinitis pigmentosa 59 (RP59). Identifiers: Orphanet 791, MedGen C3151227, MONDO:0013468, OMIM 613861.

Submission:

Labcorp Genetics (formerly Invitae), Labcorp
Classification: Pathogenic for Retinitis pigmentosa 59. Last evaluated: 2020-11-26. Review status: criteria provided, single submitter. Criteria: Invitae Variant Classification Sherloc (09022015). Collection method: clinical testing. Allele origin: germline.
Comment: For these reasons, this variant has been classified as Pathogenic. This variant has not been reported in the literature in individuals with DHDDS-related conditions. This variant is not present in population databases (ExAC no frequency). This sequence change creates a premature translational stop signal (p.Trp238*) in the DHDDS gene. It is expected to result in an absent or disrupted protein product. Loss-of-function variants in DHDDS are known to be pathogenic (PMID: 24664742).

Literature cited by the submitters: PubMed 24664742.